The following is an entry in ClinVar:

ClinVar aggregate classification (germline): Benign/Likely benign. Review status: criteria provided, multiple submitters, no conflicts (2 of 4 stars). 5 submissions from 5 submitters: Benign (1); Likely benign (4). Last evaluated 2026-01-26.

Conditions:
Hereditary cancer-predisposing syndrome. Also called: Tumor predisposition; Neoplastic Syndromes, Hereditary; Hereditary Cancer Syndrome; Hereditary neoplastic syndrome. Identifiers: Orphanet 140162, MedGen C0027672, MeSH D009386, MONDO:0015356.
Hereditary leiomyomatosis and renal cell cancer. Also called: MULTIPLE CUTANEOUS AND UTERINE LEIOMYOMATA 1, WITH OR WITHOUT RENAL CELL CARCINOMA; LEIOMYOMA, MULTIPLE CUTANEOUS; Familial leiomyomatosis; Multiple cutaneous leiomyomas; FH tumor predisposition syndrome; Reed syndrome. Identifiers: Orphanet 523, MedGen C1708350, MONDO:0007888, OMIM 150800, HP:0007437. Disease mechanism: loss of function.

Allele frequency attached by ClinVar (database versions not stated): gnomAD exomes 0.00001.
gnomAD v4.1: 27 of 1,613,966 alleles (0.0017%); highest among the groups gnomAD compares: Non-Finnish European, 0.0021%; no homozygotes.

Submissions (5):

Labcorp Genetics (formerly Invitae), Labcorp
Classification: Likely benign. Last evaluated: 2026-01-26. Review status: criteria provided, single submitter. Criteria: Invitae Variant Classification Sherloc (09022015). Collection method: clinical testing. Allele origin: germline.

Quest Diagnostics Nichols Institute San Juan Capistrano
Classification: Likely benign. Last evaluated: 2025-02-24. Review status: criteria provided, single submitter. Criteria: Quest Diagnostics criteria. Collection method: clinical testing. Allele origin: unknown.

Myriad Genetics, Inc.
Classification: Benign for Hereditary leiomyomatosis and renal cell cancer. Last evaluated: 2024-10-22. Review status: criteria provided, single submitter. Criteria: Myriad Autosomal Dominant, Autosomal Recessive and X-Linked Classification Criteria (2023). Collection method: clinical testing. Allele origin: unknown.
Comment: This variant is considered benign. This variant is a silent/synonymous amino acid change and it is not expected to impact splicing.

GeneDx
Classification: Likely benign. Last evaluated: 2018-03-27. Review status: criteria provided, single submitter. Criteria: GeneDx Variant Classification (06012015). Collection method: clinical testing. Allele origin: germline. Affected: yes.
Comment: This variant is considered likely benign or benign based on one or more of the following criteria: it is a conservative change, it occurs at a poorly conserved position in the protein, it is predicted to be benign by multiple in silico algorithms, and/or has population frequency not consistent with disease.

Ambry Genetics
Classification: Likely benign for Hereditary cancer-predisposing syndrome. Last evaluated: 2016-01-19. Review status: criteria provided, single submitter. Criteria: Ambry Variant Classification Scheme 2023. Collection method: clinical testing. Allele origin: germline.

NM_000143.4(FH):c.1434T>C (p.Asn478=)

Gene: FH (fumarate hydratase; minus strand). Cytogenetic location: 1q43.
Variant type: single nucleotide variant.
Coding change: c.1434T>C on transcript NM_000143.4 (MANE Select); coding-DNA position 1434, T replaced by C.
Protein change: p.Asn478=; no amino-acid change (asparagine 478 retained).
Molecular consequence: synonymous variant.
Genome position (GRCh38, 1-based): chr1:241,497,927, A>G on the plus strand (T>C on the coding strand, the complement: FH is on the minus strand). VCF-style: chr1-241497927-A-G. GRCh37 (hg19) VCF-style: chr1-241661227-A-G.
Identifiers: ClinVar variation 185472 (VCV000185472.18), dbSNP rs786202199, ClinGen allele CA192047.
Genomic context (GRCh38, chr1:241,497,927, plus strand): 5'-GTCAAACTGCTCTGCTGTGAGATAGCCAAGTTCGATAGCAGTTTCCTTTAAGGTTGATCC[A>G]TTTTTGTGTGCTGTCTTAGCAATCTTTGCTGCCTTGTCATACCCTGAAGAAAAAATAAAA-3'
Protein context (NP_000134.2, residues 468-488): AAKIAKTAHK[Asn478=]GSTLKETAIE